The following is an entry in ClinVar:

ClinVar aggregate classification (germline): Likely pathogenic (1 of 4 stars; one submission).

Conditions:
Multiple endocrine neoplasia, type 1 (MEN1). Also called: MEN I; WERMER SYNDROME; Endocrine adenomatosis multiple; MEN 1; MEA I. Identifiers: Orphanet 652, MedGen C0025267, MeSH D018761, MONDO:0007540, OMIM 131100.

Submission:

Labcorp Genetics (formerly Invitae), Labcorp
Classification: Likely pathogenic for Multiple endocrine neoplasia, type 1. Last evaluated: 2025-01-15. Review status: criteria provided, single submitter. Criteria: Invitae Variant Classification Sherloc (09022015). Collection method: clinical testing. Allele origin: germline.
Comment: This sequence change replaces aspartic acid, which is acidic and polar, with glutamic acid, which is acidic and polar, at codon 33 of the MEN1 protein (p.Asp33Glu). This variant is not present in population databases (gnomAD no frequency). This variant has not been reported in the literature in individuals affected with MEN1-related conditions. ClinVar contains an entry for this variant (Variation ID: 2105101). Invitae Evidence Modeling of protein sequence and biophysical properties (such as structural, functional, and spatial information, amino acid conservation, physicochemical variation, residue mobility, and thermodynamic stability) indicates that this missense variant is expected to disrupt MEN1 protein function with a positive predictive value of 95%. This variant disrupts the p.Asp33 amino acid residue in MEN1. Other variant(s) that disrupt this residue have been determined to be pathogenic (internal data). This suggests that this residue is clinically significant, and that variants that disrupt this residue are likely to be disease-causing. In summary, the currently available evidence indicates that the variant is pathogenic, but additional data are needed to prove that conclusively. Therefore, this variant has been classified as Likely Pathogenic.

NM_001370259.2(MEN1):c.99C>G (p.Asp33Glu)

Gene: MEN1 (menin 1; minus strand). Cytogenetic location: 11q13.1.
Variant type: single nucleotide variant.
Coding change: c.99C>G on transcript NM_001370259.2 (MANE Select); coding-DNA position 99, C replaced by G.
Protein change: p.Asp33Glu; replaces aspartic acid 33 with glutamic acid.
Molecular consequence: missense variant.
Genome position (GRCh38, 1-based): chr11:64,810,011, G>C on the plus strand (C>G on the coding strand, the complement: MEN1 is on the minus strand). VCF-style: chr11-64810011-G-C. GRCh37 (hg19) VCF-style: chr11-64577483-G-C.
Other names: c.99C>G, p.Asp33Glu (NM_000244.4, NM_001370251.2, NM_001370260.2 and 20 more transcripts); short protein forms D33E.
Identifiers: ClinVar variation 2105101 (VCV002105101.4), dbSNP rs1193762201, ClinGen allele CA381187976.
Genomic context (GRCh38, chr11:64,810,011, plus strand): 5'-GACGCGGTTGACAGCCAGAAAATGCTCCACGAAGCCCAGCACCAAGGAAAGGAGCACCAG[G>C]TCCGGCTCCTCTCGGCCCAGCTCGGCAGCAAACAGGCGCACCACGTCGTCGATGGAGCGC-3'
Protein context (NP_001357188.2, residues 23-43): FAAELGREEP[Asp33Glu]LVLLSLVLGF